The following is an entry in ClinVar:

ClinVar aggregate classification (germline): Uncertain significance (0 of 4 stars; one submission).

Conditions:
Prostate cancer. Also called: Malignant tumor of prostate. Identifiers: Orphanet 1331, MedGen C0376358, MONDO:0008315, HP:0012125.

Allele frequency attached by ClinVar (database versions not stated): ExAC 0.00001; ESP Exome Variant Server 0.00008; gnomAD exomes 0.00001; TOPMed 0.00001.
gnomAD v4.1: 9 of 1,614,098 alleles (0.00056%); highest among the groups gnomAD compares: Middle Eastern, 0.017%; no homozygotes.

Submission:

Science for Life laboratory,  Karolinska Institutet
Classification: Uncertain significance for Malignant tumor of prostate. Review status: no assertion criteria provided. Collection method: not provided. Allele origin: somatic.
Comment: TumorID:SWE-19
ClinVar note: Converted during submission from Unknown to Uncertain significance.

NM_014649.3(SAFB2):c.1367C>T (p.Ser456Leu)

Gene: SAFB2 (scaffold attachment factor B2; minus strand). Cytogenetic location: 19p13.3.
Variant type: single nucleotide variant.
Coding change: c.1367C>T on transcript NM_014649.3 (MANE Select); coding-DNA position 1367, C replaced by T.
Protein change: p.Ser456Leu; replaces serine 456 with leucine.
Molecular consequence: missense variant.
Genome position (GRCh38, 1-based): chr19:5,604,866, G>A on the plus strand (C>T on the coding strand, the complement: SAFB2 is on the minus strand). VCF-style: chr19-5604866-G-A. GRCh37 (hg19) VCF-style: chr19-5604877-G-A.
Other names: short protein forms S456L.
Identifiers: ClinVar variation 161679 (VCV000161679.2), dbSNP rs193920906, ClinGen allele CA174585.